The following is an entry in ClinVar:

NM_004006.3(DMD):c.6530A>G (p.Asp2177Gly)

Gene: DMD (dystrophin; minus strand). Cytogenetic location: Xp21.1.
Variant type: single nucleotide variant.
Coding change: c.6530A>G on transcript NM_004006.3 (MANE Select); coding-DNA position 6530, A replaced by G.
Protein change: p.Asp2177Gly; replaces aspartic acid 2177 with glycine.
Molecular consequence: missense variant. On other transcripts: 5 prime UTR variant (5).
Genome position (GRCh38, 1-based): chrX:31,968,423, T>C on the plus strand (A>G on the coding strand, the complement: DMD is on the minus strand). VCF-style: chrX-31968423-T-C. GRCh37 (hg19) VCF-style: chrX-31986540-T-C.
Other names: c.-851A>G (NM_004020.4, NM_004021.3, NM_004022.3 and 2 more transcripts); c.6506A>G, p.Asp2169Gly (NM_000109.4); c.6518A>G, p.Asp2173Gly (NM_004009.3); c.6161A>G, p.Asp2054Gly (NM_004010.3); c.2507A>G, p.Asp836Gly (NM_004011.4); c.2498A>G, p.Asp833Gly (NM_004012.4); short protein forms D2054G, D2169G, D2173G, D2177G, D833G, D836G.
Identifiers: ClinVar variation 1697005 (VCV001697005.3), dbSNP rs2150187516, ClinGen allele CA412659645.

ClinVar aggregate classification (germline): Uncertain significance. Review status: criteria provided, multiple submitters, no conflicts (2 of 4 stars). 2 submissions from 2 submitters: Uncertain significance (2). Last evaluated 2026-06-24.

Conditions:
Cardiovascular phenotype. Identifiers: MedGen CN230736.

Submissions (2):

Ambry Genetics
Classification: Uncertain significance for Cardiovascular phenotype. Last evaluated: 2026-06-24. Review status: criteria provided, single submitter. Criteria: Ambry Variant Classification Scheme 2023. Collection method: clinical testing. Allele origin: germline.

GeneDx
Classification: Uncertain significance. Last evaluated: 2022-01-12. Review status: criteria provided, single submitter. Criteria: GeneDx Variant Classification Process June 2021. Collection method: clinical testing. Allele origin: germline. Affected: yes.
Comment: Not observed at significant frequency in large population cohorts (gnomAD); In silico analysis supports that this missense variant has a deleterious effect on protein structure/function; Has not been previously published as pathogenic or benign to our knowledge